The following is an entry in ClinVar:

ClinVar aggregate classification (germline): Uncertain significance (1 of 4 stars; one submission).

Conditions:
Dyskeratosis congenita. Identifiers: Orphanet 1775, MedGen C0265965, MONDO:0015780.

Submission:

Labcorp Genetics (formerly Invitae), Labcorp
Classification: Uncertain significance for Dyskeratosis congenita. Last evaluated: 2018-07-03. Review status: criteria provided, single submitter. Criteria: Invitae Variant Classification Sherloc (09022015). Collection method: clinical testing. Allele origin: germline.
Comment: This variant is not present in population databases (ExAC no frequency). This sequence change falls in intron 2 of the NHP2 gene. It does not directly change the encoded amino acid sequence of the NHP2 protein, but it affects a nucleotide within the consensus splice site of the intron. This variant has not been reported in the literature in individuals with NHP2-related disease. In summary, the available evidence is currently insufficient to determine the role of this variant in disease. Therefore, it has been classified as a Variant of Uncertain Significance. Nucleotide substitutions within the consensus splice site are a relatively common cause of aberrant splicing (PMID: 17576681, 9536098). Algorithms developed to predict the effect of sequence changes on RNA splicing suggest that this variant may disrupt the consensus splice site, but this prediction has not been confirmed by published transcriptional studies.

Literature cited by the submitters: PubMed 17576681; PubMed 9536098.

NM_017838.4(NHP2):c.230+4dup

Gene: NHP2 (NHP2 ribonucleoprotein; minus strand). Cytogenetic location: 5q35.3.
Variant type: Duplication.
Coding change: c.230+4dup on transcript NM_017838.4 (MANE Select); 4 bases into the intron after coding-DNA position 230, one base duplicated (A; older notation c.230+4dupA).
Molecular consequence: intron variant.
Genome position (GRCh38, 1-based): chr5:178,153,487, T duplicated on the plus strand (A on the coding strand, the reverse complement: NHP2 is on the minus strand); the first of 2 consecutive T bases (chr5:178,153,487-178,153,488); duplicating either gives the same sequence. VCF-style (leftmost placement, unchanged base first): chr5-178153486-C-CT. GRCh37 (hg19) VCF-style: chr5-177580487-C-CT.
Other names: c.230+4dupA (NM_017838.3); c.230+4dup (NM_001034833.2).
Identifiers: ClinVar variation 645649 (VCV000645649.8), dbSNP rs1581137979, ClinGen allele CA915942741.